The following is an entry in ClinVar:

ClinVar aggregate classification (germline): Uncertain significance. Review status: criteria provided, multiple submitters, no conflicts (2 of 4 stars). 3 submissions from 3 submitters: Uncertain significance (3). Last evaluated 2024-11-12.

Conditions:
Hereditary cancer-predisposing syndrome. Also called: Neoplastic Syndromes, Hereditary; Hereditary Cancer Syndrome; Hereditary neoplastic syndrome; Tumor predisposition. Identifiers: Orphanet 140162, MedGen C0027672, MeSH D009386, MONDO:0015356.
Tumor predisposition syndrome 3 (TPDS3). Also called: Melanoma, cutaneous malignant, susceptibility to, 10; Glioma susceptibility 9; LONG TELOMERE SYNDROME, POT1-RELATED; POT1 Tumor Predisposition. Identifiers: Orphanet 618, MedGen C4014476, MONDO:0014368, OMIM 615848.

Submissions (3):

Ambry Genetics
Classification: Uncertain significance for Hereditary cancer-predisposing syndrome. Last evaluated: 2024-11-12. Review status: criteria provided, single submitter. Criteria: Ambry Variant Classification Scheme 2023. Collection method: clinical testing. Allele origin: germline.
Comment: The p.Y369F variant (also known as c.1106A>T), located in coding exon 9 of the POT1 gene, results from an A to T substitution at nucleotide position 1106. The tyrosine at codon 369 is replaced by phenylalanine, an amino acid with highly similar properties. This amino acid position is conserved. In addition, this alteration is predicted to be tolerated by in silico analysis. Based on the available evidence, the clinical significance of this variant remains unclear.

Labcorp Genetics (formerly Invitae), Labcorp
Classification: Uncertain significance for Tumor predisposition syndrome 3. Last evaluated: 2024-09-27. Review status: criteria provided, single submitter. Criteria: Invitae Variant Classification Sherloc (09022015). Collection method: clinical testing. Allele origin: germline.
Comment: This sequence change replaces tyrosine, which is neutral and polar, with phenylalanine, which is neutral and non-polar, at codon 369 of the POT1 protein (p.Tyr369Phe). This variant is not present in population databases (gnomAD no frequency). This variant has not been reported in the literature in individuals affected with POT1-related conditions. Invitae Evidence Modeling of protein sequence and biophysical properties (such as structural, functional, and spatial information, amino acid conservation, physicochemical variation, residue mobility, and thermodynamic stability) indicates that this missense variant is not expected to disrupt POT1 protein function with a negative predictive value of 80%. In summary, the available evidence is currently insufficient to determine the role of this variant in disease. Therefore, it has been classified as a Variant of Uncertain Significance.

GeneDx
Classification: Uncertain significance. Last evaluated: 2023-07-14. Review status: criteria provided, single submitter. Criteria: GeneDx Variant Classification Process June 2021. Collection method: clinical testing. Allele origin: germline. Affected: yes.
Comment: Not observed at significant frequency in large population cohorts (gnomAD); In silico analysis supports that this missense variant does not alter protein structure/function; Has not been previously published as pathogenic or benign to our knowledge; This variant is associated with the following publications: (PMID: 28393830)

NM_015450.3(POT1):c.1106A>T (p.Tyr369Phe)

Gene: POT1 (protection of telomeres 1; minus strand). Cytogenetic location: 7q31.33.
Variant type: single nucleotide variant.
Coding change: c.1106A>T on transcript NM_015450.3 (MANE Select); coding-DNA position 1106, A replaced by T.
Protein change: p.Tyr369Phe; replaces tyrosine 369 with phenylalanine.
Molecular consequence: missense variant. On other transcripts: non-coding transcript variant (3).
Genome position (GRCh38, 1-based): chr7:124,842,864, T>A on the plus strand (A>T on the coding strand, the complement: POT1 is on the minus strand). VCF-style: chr7-124842864-T-A. GRCh37 (hg19) VCF-style: chr7-124482918-T-A.
Other names: c.713A>T, p.Tyr238Phe (NM_001042594.2); short protein forms Y238F, Y369F.
Identifiers: ClinVar variation 3361058 (VCV003361058.4).
Genomic context (GRCh38, chr7:124,842,864, plus strand): 5'-CACAGCAAATGACATTTAGGGCAATGAAGTTTAACAGACTGAAATAGTCTTCTGGGCTTA[T>A]ATGACCTCAATTTTGCTCGGATGCGGTATTGTTGAGGAGCTTTTTGTTTCAAAATGGCAC-3'
Protein context (NP_056265.2, residues 359-379): QYRIRAKLRS[Tyr369Phe]KPRRLFQSVK